The following is an entry in ClinVar:

NM_001005361.3(DNM2):c.1772C>T (p.Thr591Met)

Gene: DNM2 (dynamin 2; plus strand). Cytogenetic location: 19p13.2.
Variant type: single nucleotide variant.
Coding change: c.1772C>T on transcript NM_001005361.3 (MANE Select); coding-DNA position 1772, C replaced by T.
Protein change: p.Thr591Met; replaces threonine 591 with methionine.
Molecular consequence: missense variant.
Genome position (GRCh38, 1-based): chr19:10,820,080, C>T. VCF-style: chr19-10820080-C-T. GRCh37 (hg19) VCF-style: chr19-10930756-C-T.
Other names: c.1772C>T, p.Thr591Met (NM_001005360.3, NM_001190716.2); c.1760C>T, p.Thr587Met (NM_001005362.3, NM_004945.4); short protein forms T591M, T587M.
Identifiers: ClinVar variation 327983 (VCV000327983.21), dbSNP rs372876881, ClinGen allele CA10642168.

ClinVar aggregate classification (germline): Uncertain significance. Review status: criteria provided, multiple submitters, no conflicts (2 of 4 stars). 6 submissions from 5 submitters: Uncertain significance (6). Last evaluated 2026-07-01.

Conditions:
Inborn genetic diseases. Identifiers: MedGen C0950123, MeSH D030342.
Charcot-Marie-Tooth disease dominant intermediate B (CMTDIB). Also called: CHARCOT-MARIE-TOOTH NEUROPATHY, DOMINANT INTERMEDIATE B; Charcot-Marie-Tooth disease dominant intermediate 1; CMT DI1; Charcot-Marie-Tooth disease dominant intermediate I. Identifiers: Orphanet 100044, Orphanet 228179, MedGen C1847902, MONDO:0011674, OMIM 606482.
Autosomal dominant centronuclear myopathy. Also called: Myopathy, centronuclear, 3; MYOTUBULAR MYOPATHY, AUTOSOMAL DOMINANT. Identifiers: Orphanet 169189, MedGen C4551952, MeSH D020914, MONDO:0008048, OMIM 160150.

Allele frequency attached by ClinVar (database versions not stated): gnomAD 0.00001; gnomAD exomes 0.00001 and 0.00003; TOPMed 0.00001; ESP Exome Variant Server 0.00008.
gnomAD v4.1: 50 of 1,614,058 alleles (0.0031%); highest among the groups gnomAD compares: Non-Finnish European, 0.0038%; no homozygotes.

Submissions (6):

CeGaT Center for Human Genetics Tuebingen
Classification: Uncertain significance. Last evaluated: 2026-07-01. Review status: criteria provided, single submitter. Criteria: CeGaT Center For Human Genetics Tuebingen Variant Classification Criteria Version 2. Collection method: clinical testing. Allele origin: germline. Affected: yes. Observed: 1 variant allele.
Comment: DNM2: PM2, PP3

Labcorp Genetics (formerly Invitae), Labcorp
Classification: Uncertain significance for Charcot-Marie-Tooth disease dominant intermediate B. Last evaluated: 2025-06-03. Review status: criteria provided, single submitter. Criteria: Invitae Variant Classification Sherloc (09022015). Collection method: clinical testing. Allele origin: germline.
Comment: This sequence change replaces threonine, which is neutral and polar, with methionine, which is neutral and non-polar, at codon 591 of the DNM2 protein (p.Thr591Met). This variant is present in population databases (rs372876881, gnomAD 0.002%). This missense change has been observed in individual(s) with DNM2-related conditions (internal data). This missense change has been observed in at least one individual who was not affected with DNM2-related conditions (internal data). ClinVar contains an entry for this variant (Variation ID: 327983). Invitae Evidence Modeling of protein sequence and biophysical properties (such as structural, functional, and spatial information, amino acid conservation, physicochemical variation, residue mobility, and thermodynamic stability) has been performed for this missense variant. However, the output from this modeling did not meet the statistical confidence thresholds required to predict the impact of this variant on DNM2 protein function. In summary, the available evidence is currently insufficient to determine the role of this variant in disease. Therefore, it has been classified as a Variant of Uncertain Significance.

Ambry Genetics
Classification: Uncertain significance for Inborn genetic diseases. Last evaluated: 2023-04-19. Review status: criteria provided, single submitter. Criteria: Ambry Variant Classification Scheme 2023. Collection method: clinical testing. Allele origin: germline.

Revvity Omics, Revvity
Classification: Uncertain significance. Last evaluated: 2019-09-09. Review status: criteria provided, single submitter. Criteria: ACMG Guidelines, 2015. Collection method: clinical testing. Allele origin: germline.

Illumina Laboratory Services, Illumina
Classification: Uncertain significance for Charcot-Marie-Tooth disease dominant intermediate B. Last evaluated: 2018-01-12. Review status: criteria provided, single submitter. Criteria: ICSL Variant Classification Criteria 13 December 2019. Collection method: clinical testing. Allele origin: germline.

Illumina Laboratory Services, Illumina
Classification: Uncertain significance for Autosomal dominant centronuclear myopathy. Last evaluated: 2018-01-12. Review status: criteria provided, single submitter. Criteria: ICSL Variant Classification Criteria 13 December 2019. Collection method: clinical testing. Allele origin: germline.